The following is an entry in ClinVar:

ClinVar aggregate classification (germline): Uncertain significance. Review status: criteria provided, multiple submitters, no conflicts (2 of 4 stars). 2 submissions from 2 submitters: Uncertain significance (2). Last evaluated 2025-08-18.

Conditions:
Inborn genetic diseases. Identifiers: MedGen C0950123, MeSH D030342.

Allele frequency attached by ClinVar (database versions not stated): gnomAD exomes below 0.00001.
gnomAD v4.1: 2 of 1,614,118 alleles (0.00012%); highest among the groups gnomAD compares: Non-Finnish European, 0.00017%; no homozygotes.

Submissions (2):

Labcorp Genetics (formerly Invitae), Labcorp
Classification: Uncertain significance. Last evaluated: 2025-08-18. Review status: criteria provided, single submitter. Criteria: Invitae Variant Classification Sherloc (09022015). Collection method: clinical testing. Allele origin: germline.
Comment: This sequence change replaces glutamic acid, which is acidic and polar, with glycine, which is neutral and non-polar, at codon 3064 of the VCAN protein (p.Glu3064Gly). This variant is not present in population databases (gnomAD no frequency). This variant has not been reported in the literature in individuals affected with VCAN-related conditions. ClinVar contains an entry for this variant (Variation ID: 3188353). An algorithm developed to predict the effect of missense changes on protein structure and function (PolyPhen-2) suggests that this variant is likely to be tolerated. In summary, the available evidence is currently insufficient to determine the role of this variant in disease. Therefore, it has been classified as a Variant of Uncertain Significance.

Ambry Genetics
Classification: Uncertain significance for Inborn genetic diseases. Last evaluated: 2023-09-26. Review status: criteria provided, single submitter. Criteria: Ambry Variant Classification Scheme 2023. Collection method: clinical testing. Allele origin: germline.

NM_004385.5(VCAN):c.9191A>G (p.Glu3064Gly)

Genes: VCAN (versican; plus strand), VCAN-AS1 (VCAN antisense RNA 1; minus strand). Cytogenetic location: 5q14.3.
Variant type: single nucleotide variant.
Coding change: c.9191A>G on transcript NM_004385.5 (MANE Select); coding-DNA position 9191, A replaced by G.
Protein change: p.Glu3064Gly; replaces glutamic acid 3064 with glycine.
Molecular consequence: missense variant. On other transcripts: intron variant (2).
Genome position (GRCh38, 1-based): chr5:83,542,194, A>G. VCF-style: chr5-83542194-A-G. GRCh37 (hg19) VCF-style: chr5-82838013-A-G.
Other names: c.6230A>G, p.Glu2077Gly (NM_001164097.2); c.4004-3343A>G (NM_001164098.2); c.1043-3343A>G (NM_001126336.3); short protein forms E3064G, E2077G.
Identifiers: ClinVar variation 3188353 (VCV003188353.2), dbSNP rs2479126663, ClinGen allele CA360295384.
Genomic context (GRCh38, chr5:83,542,194, plus strand): 5'-CAACAGTAAACCCTGTGGAATTTAATACTGAGGTTGCAACACCACCATTTTCCCTTCTGG[A>G]GACTTCTAATGAAACAGATTTCCTGATTGGCATTAATGAAGAGTCAGTGGAAGGCACGGC-3'
Protein context (NP_004376.2, residues 3054-3074): EVATPPFSLL[Glu3064Gly]TSNETDFLIG